The following is an entry in ClinVar:

NM_033305.3(VPS13A):c.1012G>T (p.Val338Phe)

Gene: VPS13A (vacuolar protein sorting 13 homolog A; plus strand). Cytogenetic location: 9q21.2.
Variant type: single nucleotide variant.
Coding change: c.1012G>T on transcript NM_033305.3 (MANE Select); coding-DNA position 1012, G replaced by T.
Protein change: p.Val338Phe; replaces valine 338 with phenylalanine.
Molecular consequence: missense variant.
Genome position (GRCh38, 1-based): chr9:77,221,207, G>T. VCF-style: chr9-77221207-G-T. GRCh37 (hg19) VCF-style: chr9-79836123-G-T.
Other names: c.1012G>T, p.Val338Phe (NM_001018037.2, NM_001018038.3, NM_015186.4); short protein forms V338F.
Identifiers: ClinVar variation 1879735 (VCV001879735.29), dbSNP rs761528876, ClinGen allele CA373843814.

ClinVar aggregate classification (germline): Uncertain significance (1 of 4 stars; one submission).

Submission:

CeGaT Center for Human Genetics Tuebingen
Classification: Uncertain significance. Last evaluated: 2022-10-01. Review status: criteria provided, single submitter. Criteria: CeGaT Center For Human Genetics Tuebingen Variant Classification Criteria Version 2. Collection method: clinical testing. Allele origin: germline. Affected: yes. Observed: 1 variant allele.
Comment: VPS13A: PM2, BP4